The following is an entry in ClinVar:

NM_198253.3(TERT):c.1540G>A (p.Val514Met)

Gene: TERT (telomerase reverse transcriptase; minus strand). Cytogenetic location: 5p15.33.
Variant type: single nucleotide variant.
Coding change: c.1540G>A on transcript NM_198253.3 (MANE Select); coding-DNA position 1540, G replaced by A.
Protein change: p.Val514Met; replaces valine 514 with methionine.
Molecular consequence: missense variant. On other transcripts: non-coding transcript variant (2).
Genome position (GRCh38, 1-based): chr5:1,293,346, C>T on the plus strand (G>A on the coding strand, the complement: TERT is on the minus strand). VCF-style: chr5-1293346-C-T. GRCh37 (hg19) VCF-style: chr5-1293461-C-T.
Other names: c.1540G>A, p.Val514Met (NM_001193376.3, NM_003219.1); short protein forms V514M.
Identifiers: ClinVar variation 3238515 (VCV003238515.1), dbSNP rs2126683768.

ClinVar aggregate classification (germline): Uncertain significance (1 of 4 stars; one submission).

Conditions:
Dyskeratosis congenita. Identifiers: Orphanet 1775, MedGen C0265965, MONDO:0015780.

Submission:

Ambry Genetics
Classification: Uncertain significance for Dyskeratosis congenita. Last evaluated: 2023-05-02. Review status: criteria provided, single submitter. Criteria: Ambry Variant Classification Scheme 2023. Collection method: clinical testing. Allele origin: germline.
Comment: The p.V514M variant (also known as c.1540G>A), located in coding exon 2 of the TERT gene, results from a G to A substitution at nucleotide position 1540. The valine at codon 514 is replaced by methionine, an amino acid with highly similar properties. This amino acid position is conserved. In addition, this alteration is predicted to be deleterious by in silico analysis. Since supporting evidence is limited at this time, the clinical significance of this alteration remains unclear.